The following is an entry in ClinVar:

ClinVar aggregate classification (germline): Likely benign (1 of 4 stars; one submission).

gnomAD v4.1: 37 of 1,612,530 alleles (0.0023%); highest among the groups gnomAD compares: South Asian, 0.03%; 1 homozygote.

Submission:

Dasa
Classification: Likely benign. Last evaluated: 2025-11-10. Review status: criteria provided, single submitter. Criteria: DASA Assertion Criteria. Collection method: clinical testing. Allele origin: germline.
Comment: NM_201384.3(PLEC):c.61T>G (p.Ser21Ala) is a missense variant that results in the substitution of serine with alanine. The variant is present at low frequency in population datasets. Based on the available data, this variant is classified as likely benign.

NM_201384.3(PLEC):c.61T>G (p.Ser21Ala)

Genes: PLEC (plectin; minus strand), LOC130001338 (ATAC-STARR-seq lymphoblastoid active region 28078; plus strand). Cytogenetic location: 8q24.3.
Variant type: single nucleotide variant.
Coding change: c.61T>G on transcript NM_201384.3 (MANE Select); coding-DNA position 61, T replaced by G.
Protein change: p.Ser21Ala; replaces serine 21 with alanine.
Molecular consequence: missense variant. On other transcripts: intron variant (8).
Genome position (GRCh38, 1-based): chr8:143,939,401, A>C on the plus strand (T>G on the coding strand, the complement: PLEC is on the minus strand). VCF-style: chr8-143939401-A-C. GRCh37 (hg19) VCF-style: chr8-145013569-A-C.
Other names: c.194-709T>G (NM_001410941.1, NM_000445.5); c.71-709T>G (NM_201378.4); c.47-709T>G (NM_201379.3); c.524-709T>G (NM_201380.4); c.17-709T>G (NM_201381.3); c.113-709T>G (NM_201382.4); c.125-709T>G (NM_201383.3); short protein forms S21A.
Identifiers: ClinVar variation 4851932 (VCV004851932.1).